The following is an entry in ClinVar:

NM_133379.5(TTN):c.16353C>G (p.Tyr5451Ter)

Gene: TTN (titin; minus strand). Cytogenetic location: 2q31.2.
Variant type: single nucleotide variant.
Coding change: c.16353C>G on transcript NM_133379.5; coding-DNA position 16353, C replaced by G.
Protein change: p.Tyr5451Ter; replaces tyrosine 5451 with a stop codon.
Molecular consequence: nonsense. On other transcripts: intron variant (6).
Genome position (GRCh38, 1-based): chr2:178,746,047, G>C on the plus strand (C>G on the coding strand, the complement: TTN is on the minus strand). VCF-style: chr2-178746047-G-C. GRCh37 (hg19) VCF-style: chr2-179610774-G-C.
Other names: c.10223-4126C>G (NM_003319.4); c.10799-4126C>G (NM_133437.4); c.10598-4126C>G (NM_133432.3); c.10360+7077C>G (NM_133378.4); c.10361-4126C>G (NM_001256850.1); c.11312-4126C>G (NM_001267550.2); short protein forms Y5451*.
Identifiers: ClinVar variation 47800 (VCV000047800.8), dbSNP rs397517821, ClinGen allele CA141931.
Genomic context (GRCh38, chr2:178,746,047, plus strand): 5'-TCCCATGGTGAGGAATCCCCGACAGATAGCCTCTCCTACACAATTCACAGCTCTGCACCT[G>C]TATGTTGCACTATCAGAAAGACAGACATTTCGAATTTTAAGAGTGTGACTTCCCTTCTCC-3'

ClinVar aggregate classification (germline): Uncertain significance. Review status: criteria provided, multiple submitters, no conflicts (2 of 4 stars). 4 submissions from 4 submitters: Uncertain significance (4). Last evaluated 2025-07-09.

Conditions:
TTN-related disorder. Also called: TTN-related condition; TTN-related disease; TTN-related disorders.
Myopathy, myofibrillar, 9, with early respiratory failure (MFM9). Also called: Hereditary myopathy with early respiratory failure; EDSTROM MYOPATHY; MYOPATHY, PROXIMAL, WITH EARLY RESPIRATORY MUSCLE INVOLVEMENT; Myopathy, distal, with early respiratory failure, autosomal dominant. Identifiers: Orphanet 178464, Orphanet 34521, MedGen C1863599, MONDO:0011362, OMIM 603689.
Autosomal recessive limb-girdle muscular dystrophy type 2J (LGMDR10). Also called: Limb-girdle muscular dystrophy, type 2J; MUSCULAR DYSTROPHY, LIMB-GIRDLE, AUTOSOMAL RECESSIVE 10. Identifiers: Orphanet 140922, MedGen C1837342, MONDO:0012127, OMIM 608807.
Early-onset myopathy with fatal cardiomyopathy (CMYO5). Also called: Salih Myopathy; CONGENITAL MYOPATHY 5 WITH CARDIOMYOPATHY. Identifiers: Orphanet 289377, MedGen C2673677, MONDO:0012714, OMIM 611705. Disease mechanism: loss of function.
Hypertrophic cardiomyopathy 9. Also called: Familial hypertrophic cardiomyopathy 9. Identifiers: MedGen C1861065, MONDO:0013412, OMIM 613765.
Dilated cardiomyopathy 1G (CMD1G). Identifiers: Orphanet 154, MedGen C1858763, MONDO:0011400, OMIM 604145.
Tibial muscular dystrophy (TMD). Also called: Tibial muscular dystrophy, tardive; UDD MYOPATHY; Udd Distal Myopathy – Tibial Muscular Dystrophy. Identifiers: Orphanet 609, MedGen C1838244, MONDO:0010870, OMIM 600334.

Allele frequency attached by ClinVar (database versions not stated): gnomAD 0.00001; gnomAD exomes 0.00001 and 0.00005; TOPMed 0.00002.
gnomAD v4.1: 74 of 1,613,298 alleles (0.0046%); highest among the groups gnomAD compares: Non-Finnish European, 0.0061%; no homozygotes.

Submissions (4):

PreventionGenetics, part of Exact Sciences
Classification: Uncertain significance for TTN-related condition. Last evaluated: 2025-07-09. Review status: criteria provided, single submitter. Criteria: ACMG Guidelines, 2015. Collection method: clinical testing. Allele origin: germline.
Comment: The TTN c.11312-4126C>G variant is predicted to interfere with splicing. This variant is also referred to as c.16353C>G (p.Tyr5451*) in the Novex-3 transcript NM_133379. This variant is located in exon 46 of the Novex-3 transcript (minor small cardiac isoform) which is the last exon of this transcript, and it is unclear if the resulting mRNA would undergo nonsense-mediated decay. This exon is not included in any other TTN transcripts (principle cardiac or skeletal muscle isoforms). This variant has been reported in individuals with heart failure or atrial fibrillation in population-based studies; however, this variant has also been documented in control individuals (Online Table IX, Choi et al. 2020. PubMed ID: 31691645; Table S6, Jurgens et al. 2022. PubMed ID: 35177841). This variant is reported in 0.0018% of alleles in individuals of European (Non-Finnish) descent in gnomAD. At this time, the clinical significance of this variant is uncertain due to the absence of conclusive functional and genetic evidence.

AiLife Diagnostics
Classification: Uncertain significance. Last evaluated: 2022-02-25. Review status: criteria provided, single submitter. Criteria: ACMG Guidelines, 2015. Collection method: clinical testing. Allele origin: germline. Affected: yes. Observed: 1 variant allele.

Fulgent Genetics
Classification: Uncertain significance for Tibial muscular dystrophy; Myopathy, myofibrillar, 9, with early respiratory failure; Dilated cardiomyopathy 1G; Autosomal recessive limb-girdle muscular dystrophy type 2J; Early-onset myopathy with fatal cardiomyopathy; Hypertrophic cardiomyopathy 9. Last evaluated: 2021-09-22. Review status: criteria provided, single submitter. Criteria: ACMG Guidelines, 2015. Collection method: clinical testing. Allele origin: unknown.

Laboratory for Molecular Medicine, Mass General Brigham Personalized Medicine
Classification: Uncertain significance. Last evaluated: 2019-01-25. Review status: criteria provided, single submitter. Criteria: LMM Criteria. Collection method: clinical testing. Allele origin: germline. Observed: 1 variant allele.
Comment: Variant classified as Uncertain Significance - Favor Benign. This variant has not been identified in large and broad populations by the NHLBI Exome Sequencing Project, which is consistent with a pathogenic role. However, we cannot exclude that it may be common in other populations. This nonsense variant creates a premature stop codon at position 5451. This variant is located in the last exon of an alternative transcript (Novex-3) and is expected to result in a truncated protein. Although similar variants are common in DCM patients (Herman 2012), the function of the Novex-3 transcript is unclear and thus additional data is needed to establish the clinical significance of this variant.